The following is an entry in ClinVar:

NM_000066.4(C8B):c.318A>C (p.Glu106Asp)

Gene: C8B (complement C8 beta chain; minus strand). Cytogenetic location: 1p32.2.
Variant type: single nucleotide variant.
Coding change: c.318A>C on transcript NM_000066.4 (MANE Select); coding-DNA position 318, A replaced by C.
Protein change: p.Glu106Asp; replaces glutamic acid 106 with aspartic acid.
Molecular consequence: missense variant.
Genome position (GRCh38, 1-based): chr1:56,956,842, T>G on the plus strand (A>C on the coding strand, the complement: C8B is on the minus strand). VCF-style: chr1-56956842-T-G. GRCh37 (hg19) VCF-style: chr1-57422515-T-G.
Other names: c.318A>C (NM_000066.2); c.162A>C, p.Glu54Asp (NM_001278543.2); c.132A>C, p.Glu44Asp (NM_001278544.2); short protein forms E44D, E106D, E54D.
Identifiers: ClinVar variation 1350727 (VCV001350727.8), dbSNP rs373375237, ClinGen allele CA876029.

ClinVar aggregate classification (germline): Uncertain significance. Review status: criteria provided, multiple submitters, no conflicts (2 of 4 stars). 2 submissions from 2 submitters: Uncertain significance (2). Last evaluated 2025-05-03.

Conditions:
Inborn genetic diseases. Identifiers: MedGen C0950123, MeSH D030342.

Allele frequency attached by ClinVar (database versions not stated): ExAC 0.00001; gnomAD exomes 0.00002 and 0.00006; gnomAD 0.00004 and 0.00005; TOPMed 0.00005; ESP Exome Variant Server 0.00008.
gnomAD v4.1: 95 of 1,614,000 alleles (0.0059%); highest among the groups gnomAD compares: Non-Finnish European, 0.0076%; no homozygotes.

Submissions (2):

Ambry Genetics
Classification: Uncertain significance for Inborn genetic diseases. Last evaluated: 2025-05-03. Review status: criteria provided, single submitter. Criteria: Ambry Variant Classification Scheme 2023. Collection method: clinical testing. Allele origin: germline.

Labcorp Genetics (formerly Invitae), Labcorp
Classification: Uncertain significance. Last evaluated: 2025-02-02. Review status: criteria provided, single submitter. Criteria: Invitae Variant Classification Sherloc (09022015). Collection method: clinical testing. Allele origin: germline.
Comment: This sequence change replaces glutamic acid, which is acidic and polar, with aspartic acid, which is acidic and polar, at codon 106 of the C8B protein (p.Glu106Asp). This variant is present in population databases (rs373375237, gnomAD 0.004%). This variant has not been reported in the literature in individuals affected with C8B-related conditions. ClinVar contains an entry for this variant (Variation ID: 1350727). An algorithm developed to predict the effect of missense changes on protein structure and function (PolyPhen-2) suggests that this variant is likely to be disruptive. In summary, the available evidence is currently insufficient to determine the role of this variant in disease. Therefore, it has been classified as a Variant of Uncertain Significance.